The following is an entry in ClinVar:

NM_152468.5(TMC8):c.811T>A (p.Phe271Ile)

Gene: TMC8 (transmembrane channel like 8; plus strand). Cytogenetic location: 17q25.3.
Variant type: single nucleotide variant.
Coding change: c.811T>A on transcript NM_152468.5 (MANE Select); coding-DNA position 811, T replaced by A.
Protein change: p.Phe271Ile; replaces phenylalanine 271 with isoleucine.
Molecular consequence: missense variant.
Genome position (GRCh38, 1-based): chr17:78,133,995, T>A. VCF-style: chr17-78133995-T-A. GRCh37 (hg19) VCF-style: chr17-76130076-T-A.
Other names: short protein forms F271I.
Identifiers: ClinVar variation 3653804 (VCV003653804.2).

ClinVar aggregate classification (germline): Uncertain significance (1 of 4 stars; one submission).

Conditions:
Epidermodysplasia verruciformis. Identifiers: Orphanet 302, MedGen C0014522, MONDO:0009176.

Submission:

Labcorp Genetics (formerly Invitae), Labcorp
Classification: Uncertain significance for Epidermodysplasia verruciformis. Last evaluated: 2024-05-23. Review status: criteria provided, single submitter. Criteria: Invitae Variant Classification Sherloc (09022015). Collection method: clinical testing. Allele origin: germline.
Comment: This sequence change replaces phenylalanine, which is neutral and non-polar, with isoleucine, which is neutral and non-polar, at codon 271 of the TMC8 protein (p.Phe271Ile). This variant is not present in population databases (gnomAD no frequency). This variant has not been reported in the literature in individuals affected with TMC8-related conditions. Advanced modeling of protein sequence and biophysical properties (such as structural, functional, and spatial information, amino acid conservation, physicochemical variation, residue mobility, and thermodynamic stability) performed at Invitae indicates that this missense variant is not expected to disrupt TMC8 protein function with a negative predictive value of 80%. In summary, the available evidence is currently insufficient to determine the role of this variant in disease. Therefore, it has been classified as a Variant of Uncertain Significance.